The following is an entry in ClinVar:

NM_001162501.2(TNRC6B):c.1813C>T (p.Gln605Ter)

Gene: TNRC6B (trinucleotide repeat containing adaptor 6B; plus strand). Cytogenetic location: 22q13.1.
Variant type: single nucleotide variant.
Coding change: c.1813C>T on transcript NM_001162501.2 (MANE Select); coding-DNA position 1813, C replaced by T.
Protein change: p.Gln605Ter; replaces glutamine 605 with a stop codon.
Molecular consequence: nonsense. On other transcripts: intron variant (1).
Genome position (GRCh38, 1-based): chr22:40,266,043, C>T. VCF-style: chr22-40266043-C-T. GRCh37 (hg19) VCF-style: chr22-40662047-C-T.
Other names: c.1813C>T, p.Gln605Ter (NM_015088.3); c.565+3870C>T (NM_001024843.2); short protein forms Q605*.
Identifiers: ClinVar variation 2604811 (VCV002604811.2), dbSNP rs2517987250, ClinGen allele CA411631019.
Genomic context (GRCh38, chr22:40,266,043, plus strand): 5'-AGTCATAACTCTGGCCGTCGGTCGTACAGGCCCACACATCCTGATTGTCAGGCTGTCTTG[C>T]AGACTCTTTTGAGCCGAACTGATTTGGACCCCAGGGTGCTCTCAAACACTGGCTGGGGCC-3'

ClinVar aggregate classification (germline): Pathogenic (1 of 4 stars; one submission).

Conditions:
Inborn genetic diseases. Identifiers: MedGen C0950123, MeSH D030342.

Submission:

Ambry Genetics
Classification: Pathogenic for Inborn genetic diseases. Last evaluated: 2023-07-21. Review status: criteria provided, single submitter. Criteria: Ambry Variant Classification Scheme 2023. Collection method: clinical testing. Allele origin: germline.
Comment: The c.1813C>T (p.Q605*) alteration, located in exon 5 (coding exon 5) of the TNRC6B gene, consists of a C to T substitution at nucleotide position 1813. This changes the amino acid from a glutamine (Q) to a stop codon at amino acid position 605. This alteration is expected to result in loss of function by premature protein truncation or nonsense-mediated mRNA decay. This variant was not reported in population-based cohorts in the Genome Aggregation Database (gnomAD). Based on the available evidence, this alteration is classified as pathogenic.